The following is an entry in ClinVar:

NM_001291867.2(NHS):c.3217A>G (p.Ile1073Val)

Gene: NHS (NHS actin remodeling regulator; plus strand). Cytogenetic location: Xp22.13.
Variant type: single nucleotide variant.
Coding change: c.3217A>G on transcript NM_001291867.2 (MANE Select); coding-DNA position 3217, A replaced by G.
Protein change: p.Ile1073Val; replaces isoleucine 1073 with valine.
Molecular consequence: missense variant.
Genome position (GRCh38, 1-based): chrX:17,727,323, A>G. VCF-style: chrX-17727323-A-G. GRCh37 (hg19) VCF-style: chrX-17745443-A-G.
Other names: c.2686A>G, p.Ile896Val (NM_001136024.4); c.2623A>G, p.Ile875Val (NM_001291868.2); c.3154A>G, p.Ile1052Val (NM_198270.4); short protein forms I1052V, I1073V, I875V, I896V.
Identifiers: ClinVar variation 3772430 (VCV003772430.13).
Genomic context (GRCh38, chrX:17,727,323, plus strand): 5'-AAACCTAAAGTCCCAGAAAGAAAATCCTCACTACAGCAACCCTCTTTAAAAGATGGAACT[A>G]TATCACTGAGTAAAGACCTTGAACTTCCAATTATACCTCCTACCCATCTTGATCTAAGTG-3'
Protein context (NP_001278796.1, residues 1063-1083): LQQPSLKDGT[Ile1073Val]SLSKDLELPI

ClinVar aggregate classification (germline): Uncertain significance (1 of 4 stars; one submission).

Submission:

CeGaT Center for Human Genetics Tuebingen
Classification: Uncertain significance. Last evaluated: 2025-02-01. Review status: criteria provided, single submitter. Criteria: CeGaT Center For Human Genetics Tuebingen Variant Classification Criteria Version 2. Collection method: clinical testing. Allele origin: germline. Affected: yes. Observed: 1 variant allele.
Comment: NHS: PM2, BP4